The following is an entry in ClinVar:

NM_000463.3(UGT1A1):c.1049T>C (p.Ile350Thr)

Genes: UGT1A4 (UDP glucuronosyltransferase family 1 member A4; plus strand), UGT1A (UDP glucuronosyltransferase family 1 member A complex locus; plus strand), UGT1A1 (UDP glucuronosyltransferase family 1 member A1; plus strand), UGT1A10 (UDP glucuronosyltransferase family 1 member A10; plus strand), UGT1A3 (UDP glucuronosyltransferase family 1 member A3; plus strand) and 5 more. Cytogenetic location: 2q37.1.
Variant type: single nucleotide variant.
Coding change: c.1049T>C on transcript NM_000463.3 (MANE Select); coding-DNA position 1049, T replaced by C.
Protein change: p.Ile350Thr; replaces isoleucine 350 with threonine.
Molecular consequence: missense variant.
Genome position (GRCh38, 1-based): chr2:233,767,901, T>C. VCF-style: chr2-233767901-T-C. GRCh37 (hg19) VCF-style: chr2-234676547-T-C.
Other names: c.1040T>C, p.Ile347Thr (NM_019075.4, NM_019076.5, NM_019077.3 and 1 more transcripts); c.1046T>C, p.Ile349Thr (NM_001072.4); c.245T>C, p.Ile82Thr (NM_205862.3); c.1052T>C, p.Ile351Thr (NM_019078.2, NM_007120.3, NM_019093.4); short protein forms I349T, I347T, I350T, I351T, I82T.
Identifiers: ClinVar variation 4993705 (VCV004993705.1).
Genomic context (GRCh38, chr2:233,767,901, plus strand): 5'-CCTCCCAGGTCCTGTGGCGGTACACTGGAACCCGACCATCGAATCTTGCGAACAACACGA[T>C]ACTTGTTAAGTGGCTACCCCAAAACGATCTGCTTGGTATGTTGGGCGGATTGGATGTATA-3'
Protein context (NP_000454.1, residues 340-360): TRPSNLANNT[Ile350Thr]LVKWLPQNDL

ClinVar aggregate classification (germline): Uncertain significance (1 of 4 stars; one submission).

Conditions:
UGT1A1-related disorder. Also called: UGT1A1-related disorders; UGT1A1-related condition.

gnomAD v4.1: 10 of 1,614,218 alleles (0.00062%); highest among the groups gnomAD compares: Non-Finnish European, 0.00025%; no homozygotes.

Submission:

PreventionGenetics, part of Exact Sciences
Classification: Uncertain significance for UGT1A1-related condition. Last evaluated: 2026-05-18. Review status: criteria provided, single submitter. Criteria: ACMG Guidelines, 2015. Collection method: clinical testing. Allele origin: germline.
Comment: The UGT1A1 c.1049T>C variant is predicted to result in the amino acid substitution p.Ile350Thr. To our knowledge, this variant has not been reported in the literature or in a large population database (gnomAD), indicating this variant is rare. At this time, the clinical significance of this variant is uncertain due to the absence of conclusive functional and genetic evidence.